The following is an entry in ClinVar:

NM_001012339.3(DNAJC21):c.1431A>G (p.Thr477=)

Gene: DNAJC21 (DnaJ heat shock protein family (Hsp40) member C21; plus strand). Cytogenetic location: 5p13.2.
Variant type: single nucleotide variant.
Coding change: c.1431A>G on transcript NM_001012339.3 (MANE Select); coding-DNA position 1431, A replaced by G.
Protein change: p.Thr477=; no amino-acid change (threonine 477 retained).
Molecular consequence: synonymous variant.
Genome position (GRCh38, 1-based): chr5:34,953,998, A>G. VCF-style: chr5-34953998-A-G. GRCh37 (hg19) VCF-style: chr5-34954103-A-G.
Other names: c.1470A>G, p.Thr490= (NM_001348420.2); c.1566A>G, p.Thr522= (NM_194283.4).
Identifiers: ClinVar variation 3357500 (VCV003357500.1).

ClinVar aggregate classification (germline): Likely benign (0 of 4 stars; one submission).

Conditions:
DNAJC21-related disorder. Also called: DNAJC21-related condition.

gnomAD v4.1: 3 of 1,608,798 alleles (0.00019%); highest among the groups gnomAD compares: African/African-American, 0.004%; no homozygotes.

Submission:

PreventionGenetics, part of Exact Sciences
Classification: Likely benign for DNAJC21-related condition. Last evaluated: 2019-08-28. Review status: no assertion criteria provided. Collection method: clinical testing. Allele origin: germline.
Comment: This variant is classified as likely benign based on ACMG/AMP sequence variant interpretation guidelines (Richards et al. 2015 PMID: 25741868, with internal and published modifications).